The following is an entry in ClinVar:

ClinVar aggregate classification (germline): Uncertain significance. Review status: criteria provided, multiple submitters, no conflicts (2 of 4 stars). 3 submissions from 3 submitters: Uncertain significance (3). Last evaluated 2025-10-23.

Conditions:
Hereditary cancer-predisposing syndrome. Also called: Hereditary neoplastic syndrome; Neoplastic Syndromes, Hereditary; Hereditary Cancer Syndrome; Tumor predisposition. Identifiers: Orphanet 140162, MedGen C0027672, MeSH D009386, MONDO:0015356.
Breast-ovarian cancer, familial, susceptibility to, 4. Identifiers: Orphanet 145, MedGen C3280345, MONDO:0013669, OMIM 614291.

Allele frequency attached by ClinVar (database versions not stated): gnomAD exomes below 0.00001.
gnomAD v4.1: 1 of 1,614,226 alleles (0.000062%); highest among the groups gnomAD compares: Non-Finnish European, 0.000085%; no homozygotes.

Submissions (3):

Ambry Genetics
Classification: Uncertain significance for Hereditary cancer-predisposing syndrome. Last evaluated: 2025-10-23. Review status: criteria provided, single submitter. Criteria: Ambry Variant Classification Scheme 2023. Collection method: clinical testing. Allele origin: germline.
Comment: The p.Q160R variant (also known as c.479A>G), located in coding exon 5 of the RAD51D gene, results from an A to G substitution at nucleotide position 479. The glutamine at codon 160 is replaced by arginine, an amino acid with highly similar properties. This amino acid position is conserved. In addition, this alteration is predicted to be tolerated by in silico analysis. Since supporting evidence is limited at this time, the clinical significance of this alteration remains unclear.

Quest Diagnostics Nichols Institute San Juan Capistrano
Classification: Uncertain significance. Last evaluated: 2025-05-02. Review status: criteria provided, single submitter. Criteria: Quest Diagnostics criteria. Collection method: clinical testing. Allele origin: unknown.
Comment: The RAD51D c.479A>G (p.Gln160Arg) variant has not been reported in individuals with RAD51D-related conditions in the published literature. It also has not been reported in large, multi-ethnic general populations (Genome Aggregation Database). Analysis of this variant using bioinformatics tools for the prediction of the effect of amino acid changes on protein structure and function yielded predictions that this variant is damaging. Based on the available information, we are unable to determine the clinical significance of this variant.

Labcorp Genetics (formerly Invitae), Labcorp
Classification: Uncertain significance for Breast-ovarian cancer, familial, susceptibility to, 4. Last evaluated: 2025-03-05. Review status: criteria provided, single submitter. Criteria: Invitae Variant Classification Sherloc (09022015). Collection method: clinical testing. Allele origin: germline.
Comment: This sequence change replaces glutamine, which is neutral and polar, with arginine, which is basic and polar, at codon 160 of the RAD51D protein (p.Gln160Arg). This variant is not present in population databases (gnomAD no frequency). This variant has not been reported in the literature in individuals affected with RAD51D-related conditions. ClinVar contains an entry for this variant (Variation ID: 1485112). An algorithm developed to predict the effect of missense changes on protein structure and function (PolyPhen-2) suggests that this variant is likely to be disruptive. In summary, the available evidence is currently insufficient to determine the role of this variant in disease. Therefore, it has been classified as a Variant of Uncertain Significance.

NM_002878.4(RAD51D):c.479A>G (p.Gln160Arg)

Genes: RAD51L3-RFFL (RAD51L3-RFFL readthrough; minus strand), RAD51D (RAD51 paralog D; minus strand). Cytogenetic location: 17q12.
Variant type: single nucleotide variant.
Coding change: c.479A>G on transcript NM_002878.4 (MANE Select); coding-DNA position 479, A replaced by G.
Protein change: p.Gln160Arg; replaces glutamine 160 with arginine.
Molecular consequence: missense variant. On other transcripts: non-coding transcript variant (1), intron variant (1).
Genome position (GRCh38, 1-based): chr17:35,106,989, T>C on the plus strand (A>G on the coding strand, the complement: RAD51D is on the minus strand). VCF-style: chr17-35106989-T-C. GRCh37 (hg19) VCF-style: chr17-33434008-T-C.
Other names: c.539A>G, p.Gln180Arg (NM_001142571.2); c.145-508A>G (NM_133629.3); c.479A>G (NM_002878.3); short protein forms Q180R, Q160R.
Identifiers: ClinVar variation 1485112 (VCV001485112.11), dbSNP rs2142432043, ClinGen allele CA399089141.
Genomic context (GRCh38, chr17:35,106,989, plus strand): 5'-AGGGATAATGGGGTTTTCCTGTGTCAGAATCTCAATGGAACCCAGCATCCTGCCCTTACC[T>C]GTTCCTCCTCATCCTGGGTTTTAGCCTGAAGCAGCTGGAGGAGGCGGGAAGCTGTCAGCC-3'
Protein context (NP_002869.3, residues 150-170): LQAKTQDEEE[Gln160Arg]AEALRRIQVV